The following is an entry in ClinVar:

NM_004525.3(LRP2):c.3761C>G (p.Pro1254Arg)

Gene: LRP2 (LDL receptor related protein 2; minus strand). Cytogenetic location: 2q31.1.
Variant type: single nucleotide variant.
Coding change: c.3761C>G on transcript NM_004525.3 (MANE Select); coding-DNA position 3761, C replaced by G.
Protein change: p.Pro1254Arg; replaces proline 1254 with arginine.
Molecular consequence: missense variant.
Genome position (GRCh38, 1-based): chr2:169,241,272, G>C on the plus strand (C>G on the coding strand, the complement: LRP2 is on the minus strand). VCF-style: chr2-169241272-G-C. GRCh37 (hg19) VCF-style: chr2-170097782-G-C.
Other names: short protein forms P1254R.
Identifiers: ClinVar variation 1474043 (VCV001474043.6), dbSNP rs2105383685, ClinGen allele CA349148345.

ClinVar aggregate classification (germline): Uncertain significance (1 of 4 stars; one submission).

Submission:

Labcorp Genetics (formerly Invitae), Labcorp
Classification: Uncertain significance. Last evaluated: 2021-07-30. Review status: criteria provided, single submitter. Criteria: Invitae Variant Classification Sherloc (09022015). Collection method: clinical testing. Allele origin: germline.
Comment: This variant is not present in population databases (ExAC no frequency). In summary, the available evidence is currently insufficient to determine the role of this variant in disease. Therefore, it has been classified as a Variant of Uncertain Significance. Advanced modeling of protein sequence and biophysical properties (such as structural, functional, and spatial information, amino acid conservation, physicochemical variation, residue mobility, and thermodynamic stability) performed at Invitae indicates that this missense variant is not expected to disrupt LRP2 protein function. This variant has not been reported in the literature in individuals affected with LRP2-related conditions. This sequence change replaces proline with arginine at codon 1254 of the LRP2 protein (p.Pro1254Arg). The proline residue is moderately conserved and there is a moderate physicochemical difference between proline and arginine.